The following is an entry in ClinVar:

ClinVar aggregate classification (germline): Pathogenic (1 of 4 stars; one submission).

Conditions:
Inborn genetic diseases. Identifiers: MedGen C0950123, MeSH D030342.

Submission:

Ambry Genetics
Classification: Pathogenic for Inborn genetic diseases. Last evaluated: 2025-09-08. Review status: criteria provided, single submitter. Criteria: Ambry Variant Classification Scheme 2023. Collection method: clinical testing. Allele origin: germline.
Comment: The c.1550_1557delTGGATGCA alteration, located in exon 13 (coding exon 13) of the CNKSR2 gene, consists of a deletion of 8 nucleotides from position 1550 to 1557, causing a translational frameshift with a predicted alternate stop codon after 53 amino acids. This alteration is expected to result in loss of function by premature protein truncation or nonsense-mediated mRNA decay. This variant was not reported in population-based cohorts in the Genome Aggregation Database (gnomAD). Based on the available evidence, this alteration is classified as pathogenic.

NM_014927.5(CNKSR2):c.1550_1557del (p.Met517fs)

Gene: CNKSR2 (connector enhancer of kinase suppressor of Ras 2; plus strand). Cytogenetic location: Xp22.12.
Variant type: Deletion.
Coding change: c.1550_1557del on transcript NM_014927.5 (MANE Select); coding-DNA positions 1550 to 1557, 8 bases deleted (TGGATGCA; older notation c.1550_1557delTGGATGCA).
Protein change: p.Met517fs; shifts the reading frame from methionine 517.
Molecular consequence: frameshift variant.
Genome position (GRCh38, 1-based): chrX:21,563,394-21,563,401, TGGATGCA deleted; deleting any 8 consecutive bases within chrX:21,563,393-21,563,401 gives the same sequence; the c. name uses the placement nearest the transcript's 3' end. VCF-style (leftmost placement, unchanged base first): chrX-21563392-AATGGATGC-A. GRCh37 (hg19) VCF-style: chrX-21581510-AATGGATGC-A.
Other names: c.1460_1467del, p.Met487fs (NM_001168647.3, NM_001330773.2); c.1550_1557del, p.Met517fs (NM_001168648.3); c.1403_1410del, p.Met468fs (NM_001168649.3, NM_001330770.2); c.1313_1320del, p.Met438fs (NM_001330771.2, NM_001330772.2); short protein forms M517fs, M468fs, M487fs, M438fs.
Identifiers: ClinVar variation 4230779 (VCV004230779.1).